The following is an entry in ClinVar:

ClinVar aggregate classification (germline): Conflicting classifications of pathogenicity. Review status: criteria provided, conflicting classifications (1 of 4 stars). 3 submissions from 3 submitters: Uncertain significance (1); Likely benign (2). Last evaluated 2024-10-28.

Conditions:
Inborn genetic diseases. Identifiers: MedGen C0950123, MeSH D030342.
NRXN1-related disorder.

Submissions (3):

PreventionGenetics, part of Exact Sciences
Classification: Uncertain significance for NRXN1-related condition. Last evaluated: 2024-10-28. Review status: criteria provided, single submitter. Criteria: ACMG Guidelines, 2015. Collection method: clinical testing. Allele origin: germline.
Comment: The NRXN1 c.48_53dup6 variant is predicted to result in an in-frame duplication (p.Gly25_Gly26dup). To our knowledge, this variant has not been reported in the literature or in a large population database (gnomAD), indicating this variant is rare. At this time, the clinical significance of this variant is uncertain due to the absence of conclusive functional and genetic evidence.

GeneDx
Classification: Likely benign. Last evaluated: 2021-06-24. Review status: criteria provided, single submitter. Criteria: GeneDx Variant Classification Process June 2021. Collection method: clinical testing. Allele origin: germline. Affected: yes.
Comment: Not observed at significant frequency in large population cohorts (Lek et al., 2016); In-frame insertion of 2 amino acids in a repetitive region with no known function; Has not been previously published as pathogenic or benign to our knowledge

Ambry Genetics
Classification: Likely benign for Inborn genetic diseases. Last evaluated: 2017-09-18. Review status: criteria provided, single submitter. Criteria: Ambry Variant Classification Scheme 2023. Collection method: clinical testing. Allele origin: germline.

NM_001330078.2(NRXN1):c.3365-109932_3365-109927dup

Gene: NRXN1 (neurexin 1; minus strand). Cytogenetic location: 2p16.3.
Variant type: Duplication.
Coding change: c.3365-109932_3365-109927dup on transcript NM_001330078.2 (MANE Select); 109932 bases into the intron before coding-DNA position 3365 through 109927 bases into the intron before coding-DNA position 3365, 6 bases duplicated (GGGCGG; older notation c.3365-109932_3365-109927dupGGGCGG).
Molecular consequence: intron variant. On other transcripts: inframe insertion (4).
Genome position (GRCh38, 1-based): chr2:50,346,897-50,346,902, CCGCCC duplicated on the plus strand (GGGCGG on the coding strand, the reverse complement: NRXN1 is on the minus strand); duplicating any 6 consecutive bases within chr2:50,346,897-50,346,905 gives the same sequence; the c. name uses the placement nearest the transcript's 3' end. VCF-style (leftmost placement, unchanged base first): chr2-50346896-G-GCCGCCC. GRCh37 (hg19) VCF-style: chr2-50574034-G-GCCGCCC.
Other names: c.48_53dup6 (NM_001330097.1); c.48_53dup, p.Gly25_Gly26dup (NM_001330091.2, NM_001330092.2, NM_001330097.2 and 1 more transcripts); c.3254-109932_3254-109927dup (NM_001330096.2, NM_001330087.2); c.3299-109932_3299-109927dup (NM_001330083.2, NM_001330084.2); c.3284-109932_3284-109927dup (NM_001330088.2); c.3362-109932_3362-109927dup (NM_001330093.2); c.3353-109932_3353-109927dup (NM_001330094.2); c.3314-109932_3314-109927dup (NM_001330095.2); and 4 more.
Identifiers: ClinVar variation 1329676 (VCV001329676.5), dbSNP rs2078032746, ClinGen allele CA426102056.